The following is an entry in ClinVar:

NM_021813.4(BACH2):c.2445C>A (p.Ser815Arg)

Gene: BACH2 (BACH transcriptional regulator 2; minus strand). Cytogenetic location: 6q15.
Variant type: single nucleotide variant.
Coding change: c.2445C>A on transcript NM_021813.4 (MANE Select); coding-DNA position 2445, C replaced by A.
Protein change: p.Ser815Arg; replaces serine 815 with arginine.
Molecular consequence: missense variant.
Genome position (GRCh38, 1-based): chr6:89,932,489, G>T on the plus strand (C>A on the coding strand, the complement: BACH2 is on the minus strand). VCF-style: chr6-89932489-G-T. GRCh37 (hg19) VCF-style: chr6-90642208-G-T.
Other names: c.2445C>A (NM_021813.2, NM_021813.3); c.2445C>A, p.Ser815Arg (NM_001170794.2); short protein forms S815R.
Identifiers: ClinVar variation 3610199 (VCV003610199.4).

ClinVar aggregate classification (germline): Uncertain significance. Review status: criteria provided, multiple submitters, no conflicts (2 of 4 stars). 3 submissions from 3 submitters: Uncertain significance (3). Last evaluated 2026-07-02.

Conditions:
BACH2-related disorder. Also called: BACH2-related condition.

Submissions (3):

PreventionGenetics, part of Exact Sciences
Classification: Uncertain significance for BACH2-related condition. Last evaluated: 2026-07-02. Review status: criteria provided, single submitter. Criteria: ACMG Guidelines, 2015. Collection method: clinical testing. Allele origin: germline.
Comment: The BACH2 c.2445C>A variant is predicted to result in the amino acid substitution p.Ser815Arg. To our knowledge, this variant has not been reported in the literature or in a large population database (gnomAD), indicating this variant is rare. At this time, the clinical significance of this variant is uncertain due to the absence of conclusive functional and genetic evidence.

Ambry Genetics
Classification: Uncertain significance. Last evaluated: 2025-11-13. Review status: criteria provided, single submitter. Criteria: Ambry Variant Classification Scheme 2023. Collection method: clinical testing. Allele origin: germline.

Labcorp Genetics (formerly Invitae), Labcorp
Classification: Uncertain significance. Last evaluated: 2024-07-05. Review status: criteria provided, single submitter. Criteria: Invitae Variant Classification Sherloc (09022015). Collection method: clinical testing. Allele origin: germline.
Comment: This sequence change replaces serine, which is neutral and polar, with arginine, which is basic and polar, at codon 815 of the BACH2 protein (p.Ser815Arg). This variant is not present in population databases (gnomAD no frequency). This variant has not been reported in the literature in individuals affected with BACH2-related conditions. Advanced modeling of protein sequence and biophysical properties (such as structural, functional, and spatial information, amino acid conservation, physicochemical variation, residue mobility, and thermodynamic stability) performed at Invitae indicates that this missense variant is not expected to disrupt BACH2 protein function with a negative predictive value of 80%. In summary, the available evidence is currently insufficient to determine the role of this variant in disease. Therefore, it has been classified as a Variant of Uncertain Significance.